The following is an entry in ClinVar:

ClinVar aggregate classification (germline): Uncertain significance. Review status: criteria provided, multiple submitters, no conflicts (2 of 4 stars). 2 submissions from 2 submitters: Uncertain significance (2). Last evaluated 2025-10-01.

Conditions:
Hereditary cancer-predisposing syndrome. Also called: Neoplastic Syndromes, Hereditary; Hereditary Cancer Syndrome; Hereditary neoplastic syndrome; Tumor predisposition. Identifiers: Orphanet 140162, MedGen C0027672, MeSH D009386, MONDO:0015356.
Neurofibromatosis, type 2 (SWNV). Also called: BILATERAL ACOUSTIC NEUROFIBROMATOSIS; NF2-Related Schwannomatosis; SCHWANNOMATOSIS, VESTIBULAR. Identifiers: Orphanet 637, MedGen C0027832, MONDO:0007039, OMIM 101000. Disease mechanism: loss of function.

Allele frequency attached by ClinVar (database versions not stated): gnomAD exomes below 0.00001.
gnomAD v4.1: 4 of 1,613,974 alleles (0.00025%); highest among the groups gnomAD compares: Non-Finnish European, 0.00034%; no homozygotes.

Submissions (2):

Labcorp Genetics (formerly Invitae), Labcorp
Classification: Uncertain significance for Neurofibromatosis, type 2. Last evaluated: 2025-10-01. Review status: criteria provided, single submitter. Criteria: Invitae Variant Classification Sherloc (09022015). Collection method: clinical testing. Allele origin: germline.
Comment: This sequence change replaces glutamine, which is neutral and polar, with histidine, which is basic and polar, at codon 125 of the NF2 protein (p.Gln125His). This variant is not present in population databases (gnomAD no frequency). This variant has not been reported in the literature in individuals affected with NF2-related conditions. ClinVar contains an entry for this variant (Variation ID: 1047733). Invitae Evidence Modeling of protein sequence and biophysical properties (such as structural, functional, and spatial information, amino acid conservation, physicochemical variation, residue mobility, and thermodynamic stability) indicates that this missense variant is not expected to disrupt NF2 protein function with a negative predictive value of 80%. In summary, the available evidence is currently insufficient to determine the role of this variant in disease. Therefore, it has been classified as a Variant of Uncertain Significance.

Ambry Genetics
Classification: Uncertain significance for Hereditary cancer-predisposing syndrome. Last evaluated: 2022-08-30. Review status: criteria provided, single submitter. Criteria: Ambry Variant Classification Scheme 2023. Collection method: clinical testing. Allele origin: germline.
Comment: The p.Q125H variant (also known as c.375G>C), located in coding exon 4 of the NF2 gene, results from a G to C substitution at nucleotide position 375. The glutamine at codon 125 is replaced by histidine, an amino acid with highly similar properties. This amino acid position is not well conserved in available vertebrate species. In addition, the in silico prediction for this alteration is inconclusive. Since supporting evidence is limited at this time, the clinical significance of this alteration remains unclear.

NM_000268.4(NF2):c.375G>C (p.Gln125His)

Gene: NF2 (NF2, moesin-ezrin-radixin like (MERLIN) tumor suppressor; plus strand). Cytogenetic location: 22q12.2.
Variant type: single nucleotide variant.
Coding change: c.375G>C on transcript NM_000268.4 (MANE Select); coding-DNA position 375, G replaced by C.
Protein change: p.Gln125His; replaces glutamine 125 with histidine.
Molecular consequence: missense variant. On other transcripts: non-coding transcript variant (1).
Genome position (GRCh38, 1-based): chr22:29,642,213, G>C. VCF-style: chr22-29642213-G-C. GRCh37 (hg19) VCF-style: chr22-30038202-G-C.
Other names: c.375G>C, p.Gln125His (NM_016418.5, NM_181825.3, NM_181832.3 and 1 more transcripts); c.249G>C, p.Gln83His (NM_181828.3); c.252G>C, p.Gln84His (NM_181829.3); c.126G>C, p.Gln42His (NM_181830.3, NM_181831.3); short protein forms Q125H, Q42H, Q84H, Q83H.
Identifiers: ClinVar variation 1047733 (VCV001047733.11), dbSNP rs2065829948, ClinGen allele CA411153736.